The following is an entry in ClinVar:

ClinVar aggregate classification (germline): Uncertain significance (1 of 4 stars; one submission).

Conditions:
Neurodegeneration with brain iron accumulation 5 (NBIA5). Also called: STATIC ENCEPHALOPATHY OF CHILDHOOD WITH NEURODEGENERATION IN ADULTHOOD; Beta-propeller protein-associated neurodegeneration. Identifiers: Orphanet 329284, MedGen C3550973, MONDO:0010476, OMIM 300894.

Allele frequency attached by ClinVar (database versions not stated): gnomAD exomes 0.00001; TOPMed 0.00001; gnomAD 0.00002.
gnomAD v4.1: 9 of 1,198,687 alleles (0.00075%); highest among the groups gnomAD compares: East Asian, 0.003%; no homozygotes.

Submission:

Labcorp Genetics (formerly Invitae), Labcorp
Classification: Uncertain significance for Neurodegeneration with brain iron accumulation 5. Last evaluated: 2023-11-03. Review status: criteria provided, single submitter. Criteria: Invitae Variant Classification Sherloc (09022015). Collection method: clinical testing. Allele origin: germline.
Comment: This sequence change replaces glutamic acid, which is acidic and polar, with lysine, which is basic and polar, at codon 46 of the WDR45 protein (p.Glu46Lys). This variant is not present in population databases (gnomAD no frequency). This variant has not been reported in the literature in individuals affected with WDR45-related conditions. ClinVar contains an entry for this variant (Variation ID: 540349). Advanced modeling of protein sequence and biophysical properties (such as structural, functional, and spatial information, amino acid conservation, physicochemical variation, residue mobility, and thermodynamic stability) performed at Invitae indicates that this missense variant is not expected to disrupt WDR45 protein function with a negative predictive value of 80%. In summary, the available evidence is currently insufficient to determine the role of this variant in disease. Therefore, it has been classified as a Variant of Uncertain Significance.

NM_001029896.2(WDR45):c.136G>A (p.Glu46Lys)

Genes: WDR45 (WD repeat domain 45; minus strand), LOC126863256 (BRD4-independent group 4 enhancer GRCh37_chrX:48934848-48936047; plus strand). Cytogenetic location: Xp11.23.
Variant type: single nucleotide variant.
Coding change: c.136G>A on transcript NM_001029896.2 (MANE Select); coding-DNA position 136, G replaced by A.
Protein change: p.Glu46Lys; replaces glutamic acid 46 with lysine.
Molecular consequence: missense variant.
Genome position (GRCh38, 1-based): chrX:49,077,742, C>T on the plus strand (G>A on the coding strand, the complement: WDR45 is on the minus strand). VCF-style: chrX-49077742-C-T. GRCh37 (hg19) VCF-style: chrX-48935401-C-T.
Other names: c.136G>A, p.Glu46Lys (NM_007075.4); short protein forms E46K.
Identifiers: ClinVar variation 540349 (VCV000540349.9), dbSNP rs1326742832, ClinGen allele CA412949255.
Genomic context (GRCh38, chrX:49,077,742, plus strand): 5'-CCAAGGCCAGAAGGTTGGAGCGGTGCAGCATCTCCACCAAGCCCATGCTGCCCACCTGCT[C>T]GTGGTCTGGACAGGGACCAGGGTGTCAGTGGAGGTGGGAGCCAACGCCCAGCCCAGCTCT-3'
Protein context (NP_001025067.1, residues 36-56): PLMEKGHLDH[Glu46Lys]QVGSMGLVEM